The following is an entry in ClinVar:

ClinVar aggregate classification (germline): Benign. Review status: criteria provided, single submitter (1 of 4 stars). 3 submissions from 1 submitter: Benign (3). Last evaluated 2018-01-12.

Conditions:
TP63-Related Spectrum Disorders.
Orofacial cleft 8. Also called: Cleft lip with or without cleft palate, nonsyndromic, 8. Identifiers: MedGen C1851878, MONDO:0029145, OMIM 618149.
Ectrodactyly, ectodermal dysplasia, and cleft lip-palate syndrome 3. Also called: Ectrodactyly, Ectodermal Dysplasia, Clefting Syndrome; EEC SYNDROME 3; Ectrodactyly, Ectodermal Dysplasia, Clefting Syndrome Type 3 (EEC3); Ectrodactyly, Ectodermal Dysplasia, Cleft Lip/Palate Syndrome 3 (EEC3). Identifiers: Orphanet 1896, MedGen C1858562, MONDO:0011428, OMIM 604292.

Allele frequency attached by ClinVar (database versions not stated): gnomAD exomes 0.00641; gnomAD 0.02718 and 0.02897; TOPMed 0.03069; 1000 Genomes Project 0.03375; 1000 Genomes Project 30x 0.03576.
gnomAD v4.1: 4,578 of 221,126 alleles (2.1%); highest among the groups gnomAD compares: African/African-American, 9%; 203 homozygotes.

Submissions (3):

Illumina Laboratory Services, Illumina
Classification: Benign for TP63-Related Spectrum Disorders. Last evaluated: 2018-01-12. Review status: criteria provided, single submitter. Criteria: ICSL Variant Classification Criteria 13 December 2019. Collection method: clinical testing. Allele origin: germline.
Comment: This variant was observed in the ICSL laboratory as part of a predisposition screen in an ostensibly healthy population. It had not been previously curated by ICSL or reported in the Human Gene Mutation Database (HGMD: prior to June 1st, 2018), and was therefore a candidate for classification through an automated scoring system. Utilizing variant allele frequency, disease prevalence and penetrance estimates, and inheritance mode, an automated score was calculated to assess if this variant is too frequent to cause the disease. Based on the score and internal cut-off values, a variant classified as benign is not then subjected to further curation. The score for this variant resulted in a classification of benign for this disease.

Illumina Laboratory Services, Illumina
Classification: Benign for Orofacial cleft 8. Last evaluated: 2018-01-12. Review status: criteria provided, single submitter. Criteria: ICSL Variant Classification Criteria 13 December 2019. Collection method: clinical testing. Allele origin: germline.
Comment: the same text as in the submission from Illumina Laboratory Services, Illumina above.

Illumina Laboratory Services, Illumina
Classification: Benign for Ectrodactyly, ectodermal dysplasia, and cleft lip-palate syndrome 3. Last evaluated: 2018-01-12. Review status: criteria provided, single submitter. Criteria: ICSL Variant Classification Criteria 13 December 2019. Collection method: clinical testing. Allele origin: germline.
Comment: the same text as in the submission from Illumina Laboratory Services, Illumina above.

NM_003722.5(TP63):c.*638C>G

Gene: TP63 (tumor protein p63; plus strand). Cytogenetic location: 3q28.
Variant type: single nucleotide variant.
Coding change: c.*638C>G on transcript NM_003722.5 (MANE Select); 638 bases downstream of the stop codon, C replaced by G.
Molecular consequence: 3 prime UTR variant.
Genome position (GRCh38, 1-based): chr3:189,895,140, C>G. VCF-style: chr3-189895140-C-G. GRCh37 (hg19) VCF-style: chr3-189612929-C-G.
Other names: c.*919C>G (NM_001114978.2, NM_001114981.2); c.*638C>G (NM_001114980.2, NM_001329146.2, NM_001329148.2 and 1 more transcripts); c.*909C>G (NM_001329144.2, NM_001329145.2, NM_001329149.2 and 1 more transcripts).
Identifiers: ClinVar variation 344403 (VCV000344403.6), dbSNP rs6444406, ClinGen allele CA10615917.
Genomic context (GRCh38, chr3:189,895,140, plus strand): 5'-ATACATGCCACATCAAACCTTTGAGTAGATCCATTTCCATTGCTTATTATGTAGGTAAGA[C>G]TGTAGATATGTATTCTTTTCTCAGTGTTGGTATATTTTATATTACTGACATTTCTTCTAG-3'